The following is an entry in ClinVar:

ClinVar aggregate classification (germline): Uncertain significance (1 of 4 stars; one submission).

Submission:

GeneDx
Classification: Uncertain significance. Last evaluated: 2020-10-14. Review status: criteria provided, single submitter. Criteria: GeneDx Variant Classification Process June 2021. Collection method: clinical testing. Allele origin: germline. Affected: yes.
Comment: Not observed in large population cohorts (Lek et al., 2016); In silico analysis supports that this missense variant has a deleterious effect on protein structure/function; Has not been previously published as pathogenic or benign to our knowledge

NM_007373.4(SHOC2):c.1672C>T (p.Pro558Ser)

Gene: SHOC2 (SHOC2 leucine rich repeat scaffold protein; plus strand). Cytogenetic location: 10q25.2.
Variant type: single nucleotide variant.
Coding change: c.1672C>T on transcript NM_007373.4 (MANE Select); coding-DNA position 1672, C replaced by T.
Protein change: p.Pro558Ser; replaces proline 558 with serine.
Molecular consequence: missense variant. On other transcripts: non-coding transcript variant (1).
Genome position (GRCh38, 1-based): chr10:111,011,741, C>T. VCF-style: chr10-111011741-C-T. GRCh37 (hg19) VCF-style: chr10-112771499-C-T.
Other names: c.1534C>T, p.Pro512Ser (NM_001269039.3); c.1672C>T, p.Pro558Ser (NM_001324336.2, NM_001324337.2); short protein forms P512S, P558S.
Identifiers: ClinVar variation 1313293 (VCV001313293.2), dbSNP rs1016085845, ClinGen allele CA213914869.
Genomic context (GRCh38, chr10:111,011,741, plus strand): 5'-GCACTCTGCAGCAAGCTTTCAATCATGAGTATTGAGAACTGTCCACTCAGTCACCTTCCA[C>T]CTCAGATTGTTGCTGGGGGGCCTTCTTTCATCATTCAGTTCTTAAAGATGCAGGGTCCAT-3'
Protein context (NP_031399.2, residues 548-568): IENCPLSHLP[Pro558Ser]QIVAGGPSFI